The following is an entry in ClinVar:

ClinVar aggregate classification (germline): Likely benign. Review status: criteria provided, multiple submitters, no conflicts (2 of 4 stars). 5 submissions from 5 submitters: Likely benign (5). Last evaluated 2025-03-15.

Conditions:
Catecholaminergic polymorphic ventricular tachycardia (CVPT). Also called: Catecholamine-induced polymorphic ventricular tachycardia. Identifiers: Orphanet 3286, MedGen C5574922, MONDO:0017990.
Cardiovascular phenotype. Identifiers: MedGen CN230736.
Catecholaminergic polymorphic ventricular tachycardia 1. Also called: RYR2-Related Catecholaminergic Polymorphic Ventricular Tachycardia; VENTRICULAR TACHYCARDIA, CATECHOLAMINERGIC POLYMORPHIC, 1, WITH OR WITHOUT ATRIAL DYSFUNCTION AND/OR DILATED CARDIOMYOPATHY; VENTRICULAR TACHYCARDIA, STRESS-INDUCED POLYMORPHIC 1. Identifiers: Orphanet 3286, MedGen C1631597, MONDO:0011484, OMIM 604772.
Cardiomyopathy (CMYO). Also called: Cardiomyopathies. Identifiers: Orphanet 167848, MedGen C0878544, MONDO:0004994, HP:0001638. Inheritance: Various modes of inheritance.

Allele frequency attached by ClinVar (database versions not stated): gnomAD exomes 0.00001 and 0.00002; TOPMed 0.00002; gnomAD 0.00003 and 0.00004.
gnomAD v4.1: 16 of 1,613,896 alleles (0.00099%); highest among the groups gnomAD compares: African/African-American, 0.0013%; no homozygotes.

Submissions (5):

Labcorp Genetics (formerly Invitae), Labcorp
Classification: Likely benign for Catecholaminergic polymorphic ventricular tachycardia 1. Last evaluated: 2025-03-15. Review status: criteria provided, single submitter. Criteria: Invitae Variant Classification Sherloc (09022015). Collection method: clinical testing. Allele origin: germline.

All of Us Research Program, National Institutes of Health
Classification: Likely benign for Catecholaminergic polymorphic ventricular tachycardia. Last evaluated: 2023-12-01. Review status: criteria provided, single submitter. Criteria: ACMG Guidelines, 2015. Collection method: clinical testing. Allele origin: germline. Inheritance: Autosomal dominant inheritance. Observed: 6 variant alleles, 6 heterozygotes.
Comment: This study involves interpretation of variants in research participants for the purpose of population health screening. Participant phenotype was not available at the time of variant classification. Additional details can be found in publication PMID: 35346344, PMCID: PMC8962531

Color Diagnostics, LLC DBA Color Health
Classification: Likely benign for Cardiomyopathy. Last evaluated: 2020-11-23. Review status: criteria provided, single submitter. Criteria: ACMG Guidelines, 2015. Collection method: clinical testing. Allele origin: germline.

Ambry Genetics
Classification: Likely benign for Cardiovascular phenotype. Last evaluated: 2019-11-11. Review status: criteria provided, single submitter. Criteria: Ambry Variant Classification Scheme 2023. Collection method: clinical testing. Allele origin: germline.

GeneDx
Classification: Likely benign. Last evaluated: 2018-10-25. Review status: criteria provided, single submitter. Criteria: GeneDx Variant Classification Process June 2021. Collection method: clinical testing. Allele origin: germline. Affected: yes.

NM_001035.3(RYR2):c.5550G>A (p.Val1850=)

Gene: RYR2 (ryanodine receptor 2; plus strand). Cytogenetic location: 1q43.
Variant type: single nucleotide variant.
Coding change: c.5550G>A on transcript NM_001035.3 (MANE Select); coding-DNA position 5550, G replaced by A.
Protein change: p.Val1850=; no amino-acid change (valine 1850 retained).
Molecular consequence: synonymous variant.
Genome position (GRCh38, 1-based): chr1:237,614,678, G>A. VCF-style: chr1-237614678-G-A. GRCh37 (hg19) VCF-style: chr1-237777978-G-A.
Other names: c.5550G>A, p.Val1850= (LRG_402t1).
Identifiers: ClinVar variation 389345 (VCV000389345.11), dbSNP rs764164889, ClinGen allele CA16603561.